The following is an entry in ClinVar:

NM_000250.2(MPO):c.248+9C>T

Genes: MPO (myeloperoxidase; minus strand), LOC106694315 (MPO proximal enhancer and promoter region; plus strand). Cytogenetic location: 17q22.
Variant type: single nucleotide variant.
Coding change: c.248+9C>T on transcript NM_000250.2 (MANE Select); 9 bases into the intron after coding-DNA position 248, C replaced by T.
Molecular consequence: intron variant.
Genome position (GRCh38, 1-based): chr17:58,280,357, G>A on the plus strand (C>T on the coding strand, the complement: MPO is on the minus strand). VCF-style: chr17-58280357-G-A. GRCh37 (hg19) VCF-style: chr17-56357718-G-A.
Identifiers: ClinVar variation 3047219 (VCV003047219.2), dbSNP rs375300978, ClinGen allele CA8671047.

ClinVar aggregate classification (germline): Likely benign (0 of 4 stars; one submission).

Conditions:
MPO-related disorder. Also called: MPO-related condition.

Allele frequency attached by ClinVar (database versions not stated): TOPMed 0.00005; ESP Exome Variant Server 0.00008.
gnomAD v4.1: 60 of 1,613,130 alleles (0.0037%); highest among the groups gnomAD compares: African/African-American, 0.008%; no homozygotes.

Submission:

PreventionGenetics, part of Exact Sciences
Classification: Likely benign for MPO-related condition. Last evaluated: 2019-04-01. Review status: no assertion criteria provided. Collection method: clinical testing. Allele origin: germline.
Comment: This variant is classified as likely benign based on ACMG/AMP sequence variant interpretation guidelines (Richards et al. 2015 PMID: 25741868, with internal and published modifications).